The following is an entry in ClinVar:

ClinVar aggregate classification (germline): Uncertain significance. Review status: criteria provided, multiple submitters, no conflicts (2 of 4 stars). 2 submissions from 2 submitters: Uncertain significance (2). Last evaluated 2023-01-08.

Conditions:
Hereditary cancer-predisposing syndrome. Also called: Neoplastic Syndromes, Hereditary; Tumor predisposition; Hereditary Cancer Syndrome; Hereditary neoplastic syndrome. Identifiers: Orphanet 140162, MedGen C0027672, MeSH D009386, MONDO:0015356.
Familial adenomatous polyposis 1 (FAP1). Also called: FAMILIAL ADENOMATOUS POLYPOSIS 1, ATTENUATED; POLYPOSIS, ADENOMATOUS INTESTINAL. Identifiers: MedGen C2713442, MONDO:0021056, OMIM 175100. Disease mechanism: loss of function.

Submissions (2):

Labcorp Genetics (formerly Invitae), Labcorp
Classification: Uncertain significance for Familial adenomatous polyposis 1. Last evaluated: 2023-01-08. Review status: criteria provided, single submitter. Criteria: Invitae Variant Classification Sherloc (09022015). Collection method: clinical testing. Allele origin: germline.
Comment: Advanced modeling of protein sequence and biophysical properties (such as structural, functional, and spatial information, amino acid conservation, physicochemical variation, residue mobility, and thermodynamic stability) performed at Invitae indicates that this missense variant is not expected to disrupt APC protein function. In summary, the available evidence is currently insufficient to determine the role of this variant in disease. Therefore, it has been classified as a Variant of Uncertain Significance. ClinVar contains an entry for this variant (Variation ID: 1730668). This variant has not been reported in the literature in individuals affected with APC-related conditions. This variant is not present in population databases (gnomAD no frequency). This sequence change replaces glutamine, which is neutral and polar, with glutamic acid, which is acidic and polar, at codon 1123 of the APC protein (p.Gln1123Glu).

Ambry Genetics
Classification: Uncertain significance for Hereditary cancer-predisposing syndrome. Last evaluated: 2020-06-10. Review status: criteria provided, single submitter. Criteria: Ambry Variant Classification Scheme 2023. Collection method: clinical testing. Allele origin: germline.
Comment: The p.Q1123E variant (also known as c.3367C>G), located in coding exon 15 of the APC gene, results from a C to G substitution at nucleotide position 3367. The glutamine at codon 1123 is replaced by glutamic acid, an amino acid with highly similar properties. This amino acid position is highly conserved through mammals but not in all available vertebrate species. In addition, in silico predictors for this gene do not accurately predict pathogenicity. Since supporting evidence is limited at this time, the clinical significance of this alteration remains unclear.

NM_000038.6(APC):c.3367C>G (p.Gln1123Glu)

Gene: APC (APC regulator of Wnt signaling pathway; plus strand). Cytogenetic location: 5q22.2.
Variant type: single nucleotide variant.
Coding change: c.3367C>G on transcript NM_000038.6 (MANE Select); coding-DNA position 3367, C replaced by G.
Protein change: p.Gln1123Glu; replaces glutamine 1123 with glutamic acid.
Molecular consequence: missense variant.
Genome position (GRCh38, 1-based): chr5:112,838,961, C>G. VCF-style: chr5-112838961-C-G. GRCh37 (hg19) VCF-style: chr5-112174658-C-G.
Other names: c.3367C>G, p.Gln1123Glu (NM_001127510.3, NM_001354895.2, NM_001407450.1); c.3313C>G, p.Gln1105Glu (NM_001127511.3); c.3421C>G, p.Gln1141Glu (NM_001354896.2, NM_001407447.1, NM_001407448.1 and 1 more transcripts); c.3397C>G, p.Gln1133Glu (NM_001354897.2); c.3292C>G, p.Gln1098Glu (NM_001354898.2); c.3283C>G, p.Gln1095Glu (NM_001354899.2); c.3244C>G, p.Gln1082Glu (NM_001354900.2); c.3190C>G, p.Gln1064Glu (NM_001354901.2, NM_001407453.1); and 11 more; short protein forms Q1022E, Q1095E, Q1105E, Q963E, Q1133E, Q739E, Q994E, Q1040E.
Identifiers: ClinVar variation 1730668 (VCV001730668.5), dbSNP rs1580634617, ClinGen allele CA16028710.